The following is an entry in ClinVar:

ClinVar aggregate classification (germline): Uncertain significance. Review status: criteria provided, multiple submitters, no conflicts (2 of 4 stars). 2 submissions from 2 submitters: Uncertain significance (2). Last evaluated 2026-01-05.

Conditions:
Combined immunodeficiency due to LRBA deficiency. Also called: Common variable immunodeficiency 8, with autoimmunity. Identifiers: Orphanet 445018, MedGen C3553512, MONDO:0013863, OMIM 614700.
Inborn genetic diseases. Identifiers: MedGen C0950123, MeSH D030342.

Allele frequency attached by ClinVar (database versions not stated): gnomAD exomes below 0.00001 and 0.00001; ExAC 0.00001; gnomAD 0.00001; TOPMed 0.00001.
gnomAD v4.1: 10 of 1,543,678 alleles (0.00065%); highest among the groups gnomAD compares: Middle Eastern, 0.017%; no homozygotes.

Submissions (2):

Labcorp Genetics (formerly Invitae), Labcorp
Classification: Uncertain significance for Combined immunodeficiency due to LRBA deficiency. Last evaluated: 2026-01-05. Review status: criteria provided, single submitter. Criteria: Invitae Variant Classification Sherloc (09022015). Collection method: clinical testing. Allele origin: germline.
Comment: This sequence change replaces alanine, which is neutral and non-polar, with glycine, which is neutral and non-polar, at codon 679 of the LRBA protein (p.Ala679Gly). The frequency data for this variant in the population databases is considered unreliable, as metrics indicate poor data quality at this position in the gnomAD database. This variant has not been reported in the literature in individuals affected with LRBA-related conditions. ClinVar contains an entry for this variant (Variation ID: 649507). Invitae Evidence Modeling of protein sequence and biophysical properties (such as structural, functional, and spatial information, amino acid conservation, physicochemical variation, residue mobility, and thermodynamic stability) indicates that this missense variant is not expected to disrupt LRBA protein function with a negative predictive value of 80%. In summary, the available evidence is currently insufficient to determine the role of this variant in disease. Therefore, it has been classified as a Variant of Uncertain Significance.

Ambry Genetics
Classification: Uncertain significance for Inborn genetic diseases. Last evaluated: 2025-02-08. Review status: criteria provided, single submitter. Criteria: Ambry Variant Classification Scheme 2023. Collection method: clinical testing. Allele origin: germline.

NM_001364905.1(LRBA):c.2036C>G (p.Ala679Gly)

Gene: LRBA (LPS responsive beige-like anchor protein; minus strand). Cytogenetic location: 4q31.3.
Variant type: single nucleotide variant.
Coding change: c.2036C>G on transcript NM_001364905.1 (MANE Select); coding-DNA position 2036, C replaced by G.
Protein change: p.Ala679Gly; replaces alanine 679 with glycine.
Molecular consequence: missense variant.
Genome position (GRCh38, 1-based): chr4:150,896,425, G>C on the plus strand (C>G on the coding strand, the complement: LRBA is on the minus strand). VCF-style: chr4-150896425-G-C. GRCh37 (hg19) VCF-style: chr4-151817577-G-C.
Other names: c.2036C>G, p.Ala679Gly (NM_001199282.3, NM_001367550.1, NM_006726.5); short protein forms A679G.
Identifiers: ClinVar variation 649507 (VCV000649507.9), dbSNP rs769836776, ClinGen allele CA3103381.